The following is an entry in ClinVar:

ClinVar aggregate classification (germline): Uncertain significance (1 of 4 stars; one submission).

Conditions:
Hereditary cancer-predisposing syndrome. Also called: Hereditary Cancer Syndrome; Hereditary neoplastic syndrome; Neoplastic Syndromes, Hereditary; Tumor predisposition. Identifiers: Orphanet 140162, MedGen C0027672, MeSH D009386, MONDO:0015356.

Submission:

Ambry Genetics
Classification: Uncertain significance for Hereditary cancer-predisposing syndrome. Last evaluated: 2025-07-03. Review status: criteria provided, single submitter. Criteria: Ambry Variant Classification Scheme 2023. Collection method: clinical testing. Allele origin: germline.
Comment: The p.S319F variant (also known as c.956C>T), located in coding exon 4 of the ALK gene, results from a C to T substitution at nucleotide position 956. The serine at codon 319 is replaced by phenylalanine, an amino acid with highly dissimilar properties. This amino acid position is conserved. In addition, this alteration is predicted to be tolerated by in silico analysis. Based on the available evidence, the clinical significance of this variant remains unclear.

NM_004304.5(ALK):c.956C>T (p.Ser319Phe)

Gene: ALK (ALK receptor tyrosine kinase; minus strand). Cytogenetic location: 2p23.2.
Variant type: single nucleotide variant.
Coding change: c.956C>T on transcript NM_004304.5 (MANE Select); coding-DNA position 956, C replaced by T.
Protein change: p.Ser319Phe; replaces serine 319 with phenylalanine.
Molecular consequence: missense variant.
Genome position (GRCh38, 1-based): chr2:29,532,113, G>A on the plus strand (C>T on the coding strand, the complement: ALK is on the minus strand). VCF-style: chr2-29532113-G-A. GRCh37 (hg19) VCF-style: chr2-29754979-G-A.
Other names: short protein forms S319F.
Identifiers: ClinVar variation 4271294 (VCV004271294.1).